The following is an entry in ClinVar:

ClinVar aggregate classification (germline): Uncertain significance (1 of 4 stars; one submission).

gnomAD v4.1: 5 of 1,551,620 alleles (0.00032%); highest among the groups gnomAD compares: Non-Finnish European, 0.00035%; no homozygotes.

Submission:

Dasa
Classification: Uncertain significance. Last evaluated: 2026-05-27. Review status: criteria provided, single submitter. Criteria: DASA Assertion Criteria. Collection method: clinical testing. Allele origin: germline.
Comment: NM_001353345.2(SETD1B):c.5209G>A (p.Asp1737Asn) is a missense variant that results in the substitution of aspartic acid with asparagine. This variant is rare in population databases. Computational prediction algorithms are consistent with a deleterious effect. The currently available literature and clinical evidence are not sufficient to establish a definitive association between this variant and the reported condition. Therefore, this variant is classified as a variant of uncertain significance.

NM_001353345.2(SETD1B):c.5209G>A (p.Asp1737Asn)

Gene: SETD1B (SET domain containing 1B, histone lysine methyltransferase; plus strand). Cytogenetic location: 12q24.31.
Variant type: single nucleotide variant.
Coding change: c.5209G>A on transcript NM_001353345.2 (MANE Select); coding-DNA position 5209, G replaced by A.
Protein change: p.Asp1737Asn; replaces aspartic acid 1737 with asparagine.
Molecular consequence: missense variant.
Genome position (GRCh38, 1-based): chr12:121,825,238, G>A. VCF-style: chr12-121825238-G-A. GRCh37 (hg19) VCF-style: chr12-122263144-G-A.
Other names: short protein forms D1737N.
Identifiers: ClinVar variation 5020469 (VCV005020469.1).